The following is an entry in ClinVar:

ClinVar aggregate classification (germline): Benign/Likely benign. Review status: criteria provided, multiple submitters, no conflicts (2 of 4 stars). 4 submissions from 4 submitters: Benign (1); Likely benign (3). Last evaluated 2025-10-09.

Conditions:
HK1-related disorder. Also called: HK1-related condition; HK1-related disorders.
Retinal dystrophy. Also called: Inherited retinal dystrophy. Identifiers: Orphanet 71862, MedGen C0854723, MeSH D058499, MONDO:0019118, HP:0000556.

Allele frequency attached by ClinVar (database versions not stated): gnomAD 0.00001 and 0.00005; TOPMed 0.00002; gnomAD exomes 0.00014; 1000 Genomes Project 30x 0.00016; ExAC 0.00017; 1000 Genomes Project 0.00020.
gnomAD v4.1: 208 of 1,613,920 alleles (0.013%); highest among the groups gnomAD compares: East Asian, 0.35%; 1 homozygote.

Submissions (4):

Labcorp Genetics (formerly Invitae), Labcorp
Classification: Likely benign. Last evaluated: 2025-10-09. Review status: criteria provided, single submitter. Criteria: Invitae Variant Classification Sherloc (09022015). Collection method: clinical testing. Allele origin: germline.

PreventionGenetics, part of Exact Sciences
Classification: Likely benign for HK1-related condition. Last evaluated: 2024-11-15. Review status: criteria provided, single submitter. Criteria: ACMG Guidelines, 2015. Collection method: clinical testing. Allele origin: germline.
Comment: This variant is classified as likely benign based on ACMG/AMP sequence variant interpretation guidelines (Richards et al. 2015 PMID: 25741868, with internal and published modifications).

Blueprint Genetics
Classification: Likely benign. Last evaluated: 2024-10-22. Review status: criteria provided, single submitter. Criteria: ACMG Guidelines, 2015. Collection method: clinical testing. Allele origin: germline.

Dept Of Ophthalmology, Nagoya University
Classification: Benign for Retinal dystrophy. Last evaluated: 2023-10-01. Review status: criteria provided, single submitter. Criteria: Submitter's publication. Collection method: research. Allele origin: germline. Affected: yes.

NM_000188.3(HK1):c.1884C>T (p.Cys628=)

Gene: HK1 (hexokinase 1; plus strand). Cytogenetic location: 10q22.1.
Variant type: single nucleotide variant.
Coding change: c.1884C>T on transcript NM_000188.3 (MANE Select); coding-DNA position 1884, C replaced by T.
Protein change: p.Cys628=; no amino-acid change (cysteine 628 retained).
Molecular consequence: synonymous variant.
Genome position (GRCh38, 1-based): chr10:69,386,367, C>T. VCF-style: chr10-69386367-C-T. GRCh37 (hg19) VCF-style: chr10-71146123-C-T.
Other names: c.1896C>T, p.Cys632= (NM_001322364.2, NM_001358263.1, NM_033497.3 and 1 more transcripts); c.1989C>T, p.Cys663= (NM_001322365.2); c.1800C>T, p.Cys600= (NM_001322366.1); c.1788C>T, p.Cys596= (NM_001322367.1); c.1881C>T, p.Cys627= (NM_033496.3); c.1848C>T, p.Cys616= (NM_033500.2); c.1884C>T (NM_000188.2).
Identifiers: ClinVar variation 1145522 (VCV001145522.12), dbSNP rs201425600, ClinGen allele CA5532715.
Genomic context (GRCh38, chr10:69,386,367, plus strand): 5'-GCTTTTTATGTTGTAGGGAATCTTGATCACGTGGACAAAGGGTTTTAAGGCAACAGACTG[C>T]GTGGGCCACGATGTAGTCACCTTACTAAGGGATGCGATAAAAAGGAGAGAGGTAACTATT-3'
Protein context (NP_000179.2, residues 618-638): TWTKGFKATD[Cys628=]VGHDVVTLLR